The following is an entry in ClinVar:

NM_001271.4(CHD2):c.2741G>A (p.Arg914His)

Gene: CHD2 (chromodomain helicase DNA binding protein 2; plus strand). Cytogenetic location: 15q26.1.
Variant type: single nucleotide variant.
Coding change: c.2741G>A on transcript NM_001271.4 (MANE Select); coding-DNA position 2741, G replaced by A.
Protein change: p.Arg914His; replaces arginine 914 with histidine.
Molecular consequence: missense variant.
Genome position (GRCh38, 1-based): chr15:92,979,148, G>A. VCF-style: chr15-92979148-G-A. GRCh37 (hg19) VCF-style: chr15-93522378-G-A.
Other names: short protein forms R914H.
Identifiers: ClinVar variation 4614466 (VCV004614466.1).
Genomic context (GRCh38, chr15:92,979,148, plus strand): 5'-GTTGGGGGGTGGTTCAGGCATAAGCATAACAGTTCCTTTTCCTACAGGTAAATATTTACC[G>A]CTTAGTTACAAAGGGGACTGTGGAGGAGGAGATCATAGAACGGGCCAAAAAGAAGATGGT-3'
Protein context (NP_001262.3, residues 904-924): IGQKKQVNIY[Arg914His]LVTKGTVEEE

ClinVar aggregate classification (germline): Uncertain significance (1 of 4 stars; one submission).

Conditions:
Inborn genetic diseases. Identifiers: MedGen C0950123, MeSH D030342.

Submission:

Ambry Genetics
Classification: Uncertain significance for Inborn genetic diseases. Last evaluated: 2025-10-09. Review status: criteria provided, single submitter. Criteria: Ambry Variant Classification Scheme 2023. Collection method: clinical testing. Allele origin: germline.
Comment: The c.2741G>A (p.R914H) alteration is located in exon 22 (coding exon 21) of the CHD2 gene. This alteration results from a G to A substitution at nucleotide position 2741, causing the arginine (R) at amino acid position 914 to be replaced by a histidine (H). This variant was not reported in population-based cohorts in the Genome Aggregation Database (gnomAD). Another variant at the same codon, c.2740C>T (p.R914C), has been identified in individual(s) with features consistent with CHD2-related developmental and epileptic encephalopathy (Chen, 2020). This amino acid position is highly conserved in available vertebrate species. This missense alteration is located in a region that has a low rate of benign missense variation (Lek, 2016; Firth, 2009). This alteration is predicted to be deleterious by in silico analysis. Based on insufficient or conflicting evidence, the clinical significance of this alteration remains unclear.

Literature cited by the submitters: PubMed 31677157.